The following is an entry in ClinVar:

ClinVar aggregate classification (germline): Benign. Review status: criteria provided, multiple submitters, no conflicts (2 of 4 stars). 3 submissions from 3 submitters: Benign (2). 1 of the submissions does not count toward it. Last evaluated 2023-08-04.

Conditions:
Hemochromatosis type 2B (HFE2B). Also called: Juvenile-Onset Hemochromatosis; HAMP-Related Juvenile Hemochromatosis. Identifiers: Orphanet 79230, MedGen C1865616, MONDO:0013220, OMIM 613313.
Hereditary hemochromatosis (HFE). Identifiers: MedGen C0392514, MONDO:0006507. Disease mechanism: loss of function.

Allele frequency attached by ClinVar (database versions not stated): 1000 Genomes Project 30x 0.00062; 1000 Genomes Project 0.00080; gnomAD 0.00084 and 0.00092; TOPMed 0.00090.

Submissions (3):

Labcorp Genetics (formerly Invitae), Labcorp
Classification: Benign for Hereditary hemochromatosis. Last evaluated: 2023-08-04. Review status: criteria provided, single submitter. Criteria: Invitae Variant Classification Sherloc (09022015). Collection method: clinical testing. Allele origin: germline.

Breakthrough Genomics
Classification: Benign. Review status: criteria provided, single submitter. Criteria: ACMG Guidelines, 2015. Collection method: not provided. Allele origin: germline. Inheritance: Autosomal recessive inheritance. Affected: yes.

Clinical Genetics, Synlab MVZ Humangenetik Freiburg
Classification: Uncertain significance for Hemochromatosis type 2B. Last evaluated: 2023-03-02. Review status: no assertion criteria provided. Collection method: clinical testing. Allele origin: germline. Inheritance: Autosomal recessive inheritance. Affected: yes. Not counted in ClinVar's aggregate classification.
Comment: The HAMP variant c.-72C>T, p.?, has already been described as possibly pathogenic (Biasiotto et al. 2004, HGMD Professional 2022.4). Furthermore, other regulatory mutations have already been described as causative for juvenile hemochromatosis (including Island et al. 2009). It is listed with an allele frequency of 0.11% (35x heterozygous, 1x homozygous) in control databases (dbSNP rs367646034, gnomAD v2.1.1). Heterozygous pathogenic variants in the HAMP gene have been shown to increase the risk of iron overload in HFE c.845G>A heterozygotes and increase iron load in HFE c.845G>A homozygotes (Merryweather-Clarke et al 2003, Jacolot et al 2004; Piperno et al, geneReviews 2020). We evaluate the HAMP variant c.-72C>T, p.?, as a variant of unclear significance (VUS).

NC_000019.10:g.35282506C>T

Gene: HAMP (hepcidin antimicrobial peptide; plus strand). Cytogenetic location: 19q13.12.
Variant type: single nucleotide variant.
Genome position: GRCh38 VCF-style: chr19-35282506-C-T. GRCh37 (hg19) VCF-style: chr19-35773409-C-T.
Other names: c.-72C>T (NM_021175.4).
Identifiers: ClinVar variation 1165507 (VCV001165507.12), dbSNP rs367646034, ClinGen allele CA307737901.